The following is an entry in ClinVar:

NM_002692.4(POLE2):c.477C>T (p.Ser159=)

Gene: POLE2 (DNA polymerase epsilon 2, accessory subunit; minus strand). Cytogenetic location: 14q21.3.
Variant type: single nucleotide variant.
Coding change: c.477C>T on transcript NM_002692.4 (MANE Select); coding-DNA position 477, C replaced by T.
Protein change: p.Ser159=; no amino-acid change (serine 159 retained).
Molecular consequence: synonymous variant.
Genome position (GRCh38, 1-based): chr14:49,669,539, G>A on the plus strand (C>T on the coding strand, the complement: POLE2 is on the minus strand). VCF-style: chr14-49669539-G-A. GRCh37 (hg19) VCF-style: chr14-50136257-G-A.
Other names: c.399C>T, p.Ser133= (NM_001197330.2); c.477C>T, p.Ser159= (NM_001197331.3, NM_001348384.2); c.246C>T, p.Ser82= (NM_001348385.2); c.477C>T (NM_002692.3).
Identifiers: ClinVar variation 1170316 (VCV001170316.13), dbSNP rs139370609, ClinGen allele CA7173609.

ClinVar aggregate classification (germline): Benign/Likely benign. Review status: criteria provided, multiple submitters, no conflicts (2 of 4 stars). 4 submissions from 4 submitters: Benign (2); Likely benign (1). 1 of the submissions does not count toward it. Last evaluated 2026-01-22.

Conditions:
POLE2-related disorder. Also called: POLE2-related condition.

Allele frequency attached by ClinVar (database versions not stated): gnomAD exomes 0.00056; ExAC 0.00071; gnomAD 0.00203 and 0.00210; TOPMed 0.00221; ESP Exome Variant Server 0.00231; 1000 Genomes Project 30x 0.00250; 1000 Genomes Project 0.00260.
gnomAD v4.1: 614 of 1,583,072 alleles (0.039%); highest among the groups gnomAD compares: African/African-American, 0.68%; 6 homozygotes.

Submissions (4):

Labcorp Genetics (formerly Invitae), Labcorp
Classification: Benign. Last evaluated: 2026-01-22. Review status: criteria provided, single submitter. Criteria: Invitae Variant Classification Sherloc (09022015). Collection method: clinical testing. Allele origin: germline.

Blueprint Genetics
Classification: Likely benign. Last evaluated: 2024-11-06. Review status: criteria provided, single submitter. Criteria: ACMG Guidelines, 2015. Collection method: clinical testing. Allele origin: germline.

Breakthrough Genomics
Classification: Benign. Review status: criteria provided, single submitter. Criteria: ACMG Guidelines, 2015. Collection method: not provided. Allele origin: germline. Inheritance: Unknown mechanism. Affected: yes.

PreventionGenetics, part of Exact Sciences
Classification: Benign for POLE2-related condition. Last evaluated: 2019-04-04. Review status: no assertion criteria provided. Collection method: clinical testing. Allele origin: germline. Not counted in ClinVar's aggregate classification.
Comment: This variant is classified as benign based on ACMG/AMP sequence variant interpretation guidelines (Richards et al. 2015 PMID: 25741868, with internal and published modifications).